The following is an entry in ClinVar:

NM_198578.4(LRRK2):c.5666G>C (p.Ser1889Thr)

Gene: LRRK2 (leucine rich repeat kinase 2; plus strand). Cytogenetic location: 12q12.
Variant type: single nucleotide variant.
Coding change: c.5666G>C on transcript NM_198578.4 (MANE Select); coding-DNA position 5666, G replaced by C.
Protein change: p.Ser1889Thr; replaces serine 1889 with threonine.
Molecular consequence: missense variant.
Genome position (GRCh38, 1-based): chr12:40,328,369, G>C. VCF-style: chr12-40328369-G-C. GRCh37 (hg19) VCF-style: chr12-40722171-G-C.
Other names: short protein forms S1889T.
Identifiers: ClinVar variation 1748937 (VCV001748937.2), dbSNP rs2499907259, ClinGen allele CA384399316.

ClinVar aggregate classification (germline): Uncertain significance (1 of 4 stars; one submission).

Conditions:
Inborn genetic diseases. Identifiers: MedGen C0950123, MeSH D030342.

Submission:

Ambry Genetics
Classification: Uncertain significance for Inborn genetic diseases. Last evaluated: 2021-12-18. Review status: criteria provided, single submitter. Criteria: Ambry Variant Classification Scheme 2023. Collection method: clinical testing. Allele origin: germline.
Comment: The p.S1889T variant (also known as c.5666G>C), located in coding exon 39 of the LRRK2 gene, results from a G to C substitution at nucleotide position 5666. The serine at codon 1889 is replaced by threonine, an amino acid with similar properties. This amino acid position is conserved. In addition, the in silico prediction for this alteration is inconclusive. Since supporting evidence is limited at this time, the clinical significance of this alteration remains unclear.